The following is an entry in ClinVar:

NM_001145026.2(PTPRQ):c.6537T>C (p.Ile2179=)

Gene: PTPRQ (protein tyrosine phosphatase receptor type Q; plus strand). Cytogenetic location: 12q21.31.
Variant type: single nucleotide variant.
Coding change: c.6537T>C on transcript NM_001145026.2 (MANE Select); coding-DNA position 6537, T replaced by C.
Protein change: p.Ile2179=; no amino-acid change (isoleucine 2179 retained).
Molecular consequence: synonymous variant.
Genome position (GRCh38, 1-based): chr12:80,670,427, T>C. VCF-style: chr12-80670427-T-C. GRCh37 (hg19) VCF-style: chr12-81064206-T-C.
Identifiers: ClinVar variation 5039333 (VCV005039333.1).

ClinVar aggregate classification (germline): Likely benign (1 of 4 stars; one submission).

gnomAD v4.1: 46 of 1,551,104 alleles (0.003%); highest among the groups gnomAD compares: Non-Finnish European, 0.0039%; no homozygotes.

Submission:

CeGaT Center for Human Genetics Tuebingen
Classification: Likely benign. Last evaluated: 2026-08-01. Review status: criteria provided, single submitter. Criteria: CeGaT Center For Human Genetics Tuebingen Variant Classification Criteria Version 2. Collection method: clinical testing. Allele origin: germline. Affected: yes. Observed: 1 variant allele.
Comment: PTPRQ: BP4, BP7